The following is an entry in ClinVar:

ClinVar aggregate classification (germline): Uncertain significance (1 of 4 stars; one submission).

Allele frequency attached by ClinVar (database versions not stated): gnomAD 0.00001; TOPMed 0.00002; ExAC 0.00003.
gnomAD v4.1: 11 of 1,587,444 alleles (0.00069%); highest among the groups gnomAD compares: Admixed American, 0.0071%; no homozygotes.

Submission:

Labcorp Genetics (formerly Invitae), Labcorp
Classification: Uncertain significance. Last evaluated: 2022-03-26. Review status: criteria provided, single submitter. Criteria: Invitae Variant Classification Sherloc (09022015). Collection method: clinical testing. Allele origin: germline.
Comment: This sequence change replaces valine, which is neutral and non-polar, with methionine, which is neutral and non-polar, at codon 779 of the DOCK6 protein (p.Val779Met). The frequency data for this variant in the population databases is considered unreliable, as metrics indicate poor data quality at this position in the gnomAD database. This variant has not been reported in the literature in individuals affected with DOCK6-related conditions. Algorithms developed to predict the effect of missense changes on protein structure and function are either unavailable or do not agree on the potential impact of this missense change (SIFT: "Deleterious"; PolyPhen-2: "Benign"; Align-GVGD: "Class C0"). In summary, the available evidence is currently insufficient to determine the role of this variant in disease. Therefore, it has been classified as a Variant of Uncertain Significance.

NM_020812.4(DOCK6):c.2335G>A (p.Val779Met)

Gene: DOCK6 (dedicator of cytokinesis 6; minus strand). Cytogenetic location: 19p13.2.
Variant type: single nucleotide variant.
Coding change: c.2335G>A on transcript NM_020812.4 (MANE Select); coding-DNA position 2335, G replaced by A.
Protein change: p.Val779Met; replaces valine 779 with methionine.
Molecular consequence: missense variant.
Genome position (GRCh38, 1-based): chr19:11,236,403, C>T on the plus strand (G>A on the coding strand, the complement: DOCK6 is on the minus strand). VCF-style: chr19-11236403-C-T. GRCh37 (hg19) VCF-style: chr19-11347079-C-T.
Other names: c.2335G>A, p.Val779Met (NM_001367830.1); short protein forms V779M.
Identifiers: ClinVar variation 2416220 (VCV002416220.3), dbSNP rs373914831, ClinGen allele CA9207664.